The following is an entry in ClinVar:

NM_007059.4(KPTN):c.1129_1168dup (p.Val390fs)

Gene: KPTN (kaptin, actin binding protein; minus strand). Cytogenetic location: 19q13.32.
Variant type: Duplication.
Coding change: c.1129_1168dup on transcript NM_007059.4 (MANE Select); coding-DNA positions 1129 to 1168, 40 bases duplicated.
Protein change: p.Val390fs; shifts the reading frame from valine 390.
Molecular consequence: frameshift variant. On other transcripts: non-coding transcript variant (1).
Genome position (GRCh38, 1-based): chr19:47,476,546-47,476,585, 40 bases duplicated; duplicating any 40 consecutive bases within chr19:47,476,546-47,476,586 gives the same sequence; the c. name uses the placement nearest the transcript's 3' end. GRCh37 (hg19): chr19:47,979,804-47,979,843.
Other names: c.961_1000dup, p.Val334fs (NM_001291296.2); short protein forms V334fs, V390fs.
Identifiers: ClinVar variation 1707524 (VCV001707524.1), dbSNP rs2515232852, ClinGen allele CA2580097441.
Genomic context (GRCh38, chr19:47,476,545, plus strand): 5'-GAAACTGCTGAGGTCGACTCCCCTCCCACCCCAAGAGCTGGGGATACCTGCAGGATGTGC[A>ACGCCCTTCAGGGAGACCACGGCAAGCTCCTGCAGCCCATC]CGCCCTTCAGGGAGACCACGGCAAGCTCCTGCAGCCCATCCCCGGTCAGGTCCACGTGAG-3'

ClinVar aggregate classification (germline): Uncertain significance (1 of 4 stars; one submission).

Conditions:
Macrocephaly-developmental delay syndrome (MRT41). Also called: INTELLECTUAL DEVELOPMENTAL DISORDER, AUTOSOMAL RECESSIVE 41. Identifiers: Orphanet 397612, MedGen C3810225, MONDO:0014289, OMIM 615637.

Submission:

Institute of Human Genetics, University of Leipzig Medical Center
Classification: Uncertain significance for Macrocephaly-developmental delay syndrome. Last evaluated: 2022-08-30. Review status: criteria provided, single submitter. Criteria: ACMG Guidelines, 2015. Collection method: clinical testing. Allele origin: unknown. Affected: yes.
Comment: This variant was identified as homozygous._x000D_ Criteria applied: PVS1_MOD, PM2_SUP